The following is an entry in ClinVar:

ClinVar aggregate classification (germline): Uncertain significance (1 of 4 stars; one submission).

Conditions:
Cardiovascular phenotype. Identifiers: MedGen CN230736.

Allele frequency attached by ClinVar (database versions not stated): gnomAD exomes below 0.00001.
gnomAD v4.1: 2 of 1,614,036 alleles (0.00012%); highest among the groups gnomAD compares: South Asian, 0.0011%; no homozygotes.

Submission:

Ambry Genetics
Classification: Uncertain significance for Cardiovascular phenotype. Last evaluated: 2021-04-20. Review status: criteria provided, single submitter. Criteria: Ambry Variant Classification Scheme 2023. Collection method: clinical testing. Allele origin: germline.
Comment: The p.I371V variant (also known as c.1111A>G), located in coding exon 6 of the ACTC1 gene, results from an A to G substitution at nucleotide position 1111. The isoleucine at codon 371 is replaced by valine, an amino acid with highly similar properties. This amino acid position is highly conserved in available vertebrate species. In addition, the in silico prediction for this alteration is inconclusive. Since supporting evidence is limited at this time, the clinical significance of this alteration remains unclear.

NM_005159.5(ACTC1):c.1111A>G (p.Ile371Val)

Genes: ACTC1 (actin alpha cardiac muscle 1; minus strand), GJD2-DT (GJD2 divergent transcript; plus strand). Cytogenetic location: 15q14.
Variant type: single nucleotide variant.
Coding change: c.1111A>G on transcript NM_005159.5 (MANE Select); coding-DNA position 1111, A replaced by G.
Protein change: p.Ile371Val; replaces isoleucine 371 with valine.
Molecular consequence: missense variant.
Genome position (GRCh38, 1-based): chr15:34,790,435, T>C on the plus strand (A>G on the coding strand, the complement: ACTC1 is on the minus strand). VCF-style: chr15-34790435-T-C. GRCh37 (hg19) VCF-style: chr15-35082636-T-C.
Other names: c.1111A>G, p.Ile371Val (NM_001406482.1, NM_001406483.1); c.976A>G, p.Ile326Val (NM_001406484.1); c.670A>G, p.Ile224Val (NM_001406485.1); short protein forms I326V, I224V, I371V.
Identifiers: ClinVar variation 1795245 (VCV001795245.2), dbSNP rs1595759914, ClinGen allele CA391628572.